The following is an entry in ClinVar:

NM_000228.3(LAMB3):c.2066T>C (p.Phe689Ser)

Gene: LAMB3 (laminin subunit beta 3; minus strand). Cytogenetic location: 1q32.2.
Variant type: single nucleotide variant.
Coding change: c.2066T>C on transcript NM_000228.3 (MANE Select); coding-DNA position 2066, T replaced by C.
Protein change: p.Phe689Ser; replaces phenylalanine 689 with serine.
Molecular consequence: missense variant.
Genome position (GRCh38, 1-based): chr1:209,623,911, A>G on the plus strand (T>C on the coding strand, the complement: LAMB3 is on the minus strand). VCF-style: chr1-209623911-A-G. GRCh37 (hg19) VCF-style: chr1-209797256-A-G.
Other names: c.2066T>C, p.Phe689Ser (NM_001017402.2, NM_001127641.1); short protein forms F689S.
Identifiers: ClinVar variation 3537109 (VCV003537109.2).
Genomic context (GRCh38, chr1:209,623,911, plus strand): 5'-GCACTGCTTATTTTTTCAAACTGCTCCCTCTTCCTCTGATACATAGTAAGGAGACCATTG[A>G]AGCTTCTGTCAAGACTCTCCAGGTCTCTCGGAAGGGACAACGTCTCCTCCTCCAGGGGCA-3'
Protein context (NP_000219.2, residues 679-699): PRDLESLDRS[Phe689Ser]NGLLTMYQRK

ClinVar aggregate classification (germline): Conflicting classifications of pathogenicity. Review status: criteria provided, conflicting classifications (1 of 4 stars). 2 submissions from 2 submitters: Uncertain significance (1); Likely benign (1). Last evaluated 2025-02-04.

Conditions:
LAMB3-related disorder. Also called: LAMB3-related condition.
Inborn genetic diseases. Identifiers: MedGen C0950123, MeSH D030342.

gnomAD v4.1: 161 of 1,614,116 alleles (0.01%); highest among the groups gnomAD compares: African/African-American, 0.2%; no homozygotes.

Submissions (2):

PreventionGenetics, part of Exact Sciences
Classification: Likely benign for LAMB3-related condition. Last evaluated: 2025-02-04. Review status: criteria provided, single submitter. Criteria: ACMG Guidelines, 2015. Collection method: clinical testing. Allele origin: germline.
Comment: This variant is classified as likely benign based on ACMG/AMP sequence variant interpretation guidelines (Richards et al. 2015 PMID: 25741868, with internal and published modifications).

Ambry Genetics
Classification: Uncertain significance for Inborn genetic diseases. Last evaluated: 2024-08-26. Review status: criteria provided, single submitter. Criteria: Ambry Variant Classification Scheme 2023. Collection method: clinical testing. Allele origin: germline.